The following is an entry in ClinVar:

NM_006383.4(CIB2):c.166A>G (p.Met56Val)

Gene: CIB2 (calcium and integrin binding family member 2; minus strand). Cytogenetic location: 15q25.1.
Variant type: single nucleotide variant.
Coding change: c.166A>G on transcript NM_006383.4 (MANE Select); coding-DNA position 166, A replaced by G.
Protein change: p.Met56Val; replaces methionine 56 with valine.
Molecular consequence: missense variant. On other transcripts: intron variant (2).
Genome position (GRCh38, 1-based): chr15:78,111,197, T>C on the plus strand (A>G on the coding strand, the complement: CIB2 is on the minus strand). VCF-style: chr15-78111197-T-C. GRCh37 (hg19) VCF-style: chr15-78403539-T-C.
Other names: c.166A>G (NM_006383.2, NM_006383.3); c.37A>G, p.Met13Val (NM_001271888.2); c.52-1815A>G (NM_001271889.2); c.87-1688A>G (NM_001301224.2); short protein forms M13V, M56V.
Identifiers: ClinVar variation 1047257 (VCV001047257.9), dbSNP rs560859905, ClinGen allele CA7680319.

ClinVar aggregate classification (germline): Uncertain significance. Review status: criteria provided, multiple submitters, no conflicts (2 of 4 stars). 4 submissions from 4 submitters: Uncertain significance (4). Last evaluated 2024-08-13.

Conditions:
Inborn genetic diseases. Identifiers: MedGen C0950123, MeSH D030342.

Allele frequency attached by ClinVar (database versions not stated): gnomAD 0.00005 and 0.00004; gnomAD exomes 0.00004 and 0.00006; TOPMed 0.00004; ExAC 0.00007.
gnomAD v4.1: 71 of 1,614,028 alleles (0.0044%); highest among the groups gnomAD compares: South Asian, 0.042%; no homozygotes.

Submissions (4):

GeneDx
Classification: Uncertain significance. Last evaluated: 2024-08-13. Review status: criteria provided, single submitter. Criteria: GeneDx Variant Classification Process June 2021. Collection method: clinical testing. Allele origin: germline. Affected: yes.
Comment: In silico analysis indicates that this missense variant does not alter protein structure/function; Has not been previously published as pathogenic or benign to our knowledge

Labcorp Genetics (formerly Invitae), Labcorp
Classification: Uncertain significance. Last evaluated: 2023-10-13. Review status: criteria provided, single submitter. Criteria: Invitae Variant Classification Sherloc (09022015). Collection method: clinical testing. Allele origin: germline.
Comment: This sequence change replaces methionine, which is neutral and non-polar, with valine, which is neutral and non-polar, at codon 56 of the CIB2 protein (p.Met56Val). This variant is present in population databases (rs560859905, gnomAD 0.04%). This variant has not been reported in the literature in individuals affected with CIB2-related conditions. ClinVar contains an entry for this variant (Variation ID: 1047257). An algorithm developed to predict the effect of missense changes on protein structure and function (PolyPhen-2) suggests that this variant¬†is likely to be tolerated. In summary, the available evidence is currently insufficient to determine the role of this variant in disease. Therefore, it has been classified as a Variant of Uncertain Significance.

Ambry Genetics
Classification: Uncertain significance for Inborn genetic diseases. Last evaluated: 2021-11-15. Review status: criteria provided, single submitter. Criteria: Ambry Variant Classification Scheme 2023. Collection method: clinical testing. Allele origin: germline.

Blueprint Genetics
Classification: Uncertain significance. Last evaluated: 2019-02-05. Review status: criteria provided, single submitter. Criteria: ACMG Guidelines, 2015. Collection method: clinical testing. Allele origin: germline.